The following is an entry in ClinVar:

NM_002439.5(MSH3):c.2014A>G (p.Ile672Val)

Gene: MSH3 (mutS homolog 3; plus strand). Cytogenetic location: 5q14.1.
Variant type: single nucleotide variant.
Coding change: c.2014A>G on transcript NM_002439.5 (MANE Select); coding-DNA position 2014, A replaced by G.
Protein change: p.Ile672Val; replaces isoleucine 672 with valine.
Molecular consequence: missense variant.
Genome position (GRCh38, 1-based): chr5:80,768,050, A>G. VCF-style: chr5-80768050-A-G. GRCh37 (hg19) VCF-style: chr5-80063869-A-G.
Other names: short protein forms I672V.
Identifiers: ClinVar variation 852505 (VCV000852505.11), dbSNP rs1744152742, ClinGen allele CA360277750.

ClinVar aggregate classification (germline): Uncertain significance. Review status: criteria provided, multiple submitters, no conflicts (2 of 4 stars). 3 submissions from 3 submitters: Uncertain significance (3). Last evaluated 2025-05-05.

Conditions:
Familial adenomatous polyposis 4 (FAP4). Also called: MSH3-related attenuated familial adenomatous polyposis. Identifiers: Orphanet 480536, MedGen C4310719, MONDO:0044300, OMIM 617100.
Hereditary cancer-predisposing syndrome. Also called: Neoplastic Syndromes, Hereditary; Hereditary Cancer Syndrome; Tumor predisposition; Hereditary neoplastic syndrome. Identifiers: Orphanet 140162, MedGen C0027672, MeSH D009386, MONDO:0015356.

Submissions (3):

Labcorp Genetics (formerly Invitae), Labcorp
Classification: Uncertain significance. Last evaluated: 2025-05-05. Review status: criteria provided, single submitter. Criteria: Invitae Variant Classification Sherloc (09022015). Collection method: clinical testing. Allele origin: germline.
Comment: This sequence change replaces isoleucine, which is neutral and non-polar, with valine, which is neutral and non-polar, at codon 672 of the MSH3 protein (p.Ile672Val). This variant is not present in population databases (gnomAD no frequency). This variant has not been reported in the literature in individuals affected with MSH3-related conditions. ClinVar contains an entry for this variant (Variation ID: 852505). An algorithm developed to predict the effect of missense changes on protein structure and function outputs the following: PolyPhen-2: "Benign". The valine amino acid residue is found in multiple mammalian species, which suggests that this missense change does not adversely affect protein function. In summary, the available evidence is currently insufficient to determine the role of this variant in disease. Therefore, it has been classified as a Variant of Uncertain Significance.

Ambry Genetics
Classification: Uncertain significance for Hereditary cancer-predisposing syndrome. Last evaluated: 2024-07-29. Review status: criteria provided, single submitter. Criteria: Ambry Variant Classification Scheme 2023. Collection method: clinical testing. Allele origin: germline.
Comment: The p.I672V variant (also known as c.2014A>G), located in coding exon 14 of the MSH3 gene, results from an A to G substitution at nucleotide position 2014. The isoleucine at codon 672 is replaced by valine, an amino acid with highly similar properties. This amino acid position is conserved. In addition, this alteration is predicted to be tolerated by in silico analysis. Since supporting evidence is limited at this time, the clinical significance of this alteration remains unclear.

St. Jude Molecular Pathology, St. Jude Children's Research Hospital
Classification: Uncertain significance for Familial adenomatous polyposis 4. Last evaluated: 2023-06-15. Review status: criteria provided, single submitter. Criteria: St. Jude Assertion Criteria 2020. Collection method: clinical testing. Allele origin: germline.
Comment: The MSH3 c.2014A>G (p.Ile672Val) missense change is absent in gnomAD v2.1.1. The in silico tool REVEL predicts a benign effect of this variant on protein function, and to our knowledge functional studies have not been performed. To our knowledge, this variant has not been reported in individuals with MSH3-associated familial adenomatous polyposis. In summary, the evidence currently available is insufficient to determine the clinical significance of this variant. It has therefore been classified as of uncertain significance.